The following is an entry in ClinVar:

ClinVar aggregate classification (germline): Uncertain significance (1 of 4 stars; one submission).

Conditions:
Cardiovascular phenotype. Identifiers: MedGen CN230736.
Hereditary cancer-predisposing syndrome. Also called: Neoplastic Syndromes, Hereditary; Tumor predisposition; Hereditary Cancer Syndrome; Hereditary neoplastic syndrome. Identifiers: Orphanet 140162, MedGen C0027672, MeSH D009386, MONDO:0015356.

Submission:

Ambry Genetics
Classification: Uncertain significance for Cardiovascular phenotype; Hereditary cancer-predisposing syndrome. Last evaluated: 2021-05-25. Review status: criteria provided, single submitter. Criteria: Ambry Variant Classification Scheme 2023. Collection method: clinical testing. Allele origin: germline.
Comment: The p.I2106F variant (also known as c.6316A>T), located in coding exon 41 of the NF1 gene, results from an A to T substitution at nucleotide position 6316. The isoleucine at codon 2106 is replaced by phenylalanine, an amino acid with highly similar properties. This amino acid position is highly conserved in available vertebrate species. In addition, this alteration is predicted to be deleterious by in silico analysis. Since supporting evidence is limited at this time, the clinical significance of this alteration remains unclear.

NM_001042492.3(NF1):c.6379A>T (p.Ile2127Phe)

Gene: NF1 (neurofibromin 1; plus strand). Cytogenetic location: 17q11.2.
Variant type: single nucleotide variant.
Coding change: c.6379A>T on transcript NM_001042492.3 (MANE Select); coding-DNA position 6379, A replaced by T.
Protein change: p.Ile2127Phe; replaces isoleucine 2127 with phenylalanine.
Molecular consequence: missense variant.
Genome position (GRCh38, 1-based): chr17:31,336,866, A>T. VCF-style: chr17-31336866-A-T. GRCh37 (hg19) VCF-style: chr17-29663884-A-T.
Other names: c.6316A>T, p.Ile2106Phe (NM_000267.4); short protein forms I2106F, I2127F.
Identifiers: ClinVar variation 1752813 (VCV001752813.2), dbSNP rs200022550, ClinGen allele CA399012859.